The following is an entry in ClinVar:

ClinVar aggregate classification (germline): Pathogenic (1 of 4 stars; one submission).

Conditions:
Glycogen storage disease, type V (GSD5). Also called: MCARDLE DISEASE; MUSCLE GLYCOGEN PHOSPHORYLASE DEFICIENCY; MYOPHOSPHORYLASE DEFICIENCY; PYGM DEFICIENCY; McArdle type glycogen storage disease. Identifiers: Orphanet 368, MedGen C0017924, MONDO:0009293, OMIM 232600.

Submission:

Labcorp Genetics (formerly Invitae), Labcorp
Classification: Pathogenic for Glycogen storage disease, type V. Last evaluated: 2019-06-29. Review status: criteria provided, single submitter. Criteria: Invitae Variant Classification Sherloc (09022015). Collection method: clinical testing. Allele origin: germline.
Comment: For these reasons, this variant has been classified as Pathogenic. This sequence change creates a premature translational stop signal (p.Gln755Hisfs*19) in the PYGM gene. It is expected to result in an absent or disrupted protein product. This variant is not present in population databases (ExAC no frequency). This variant has not been reported in the literature in individuals with PYGM-related conditions. Loss-of-function variants in PYGM are known to be pathogenic (PMID: 8316268, 16786513).

Literature cited by the submitters: PubMed 8316268; PubMed 16786513.

NM_005609.4(PYGM):c.2255_2264dup (p.Gln755fs)

Gene: PYGM (glycogen phosphorylase, muscle associated; minus strand). Cytogenetic location: 11q13.1.
Variant type: Duplication.
Coding change: c.2255_2264dup on transcript NM_005609.4 (MANE Select); coding-DNA positions 2255 to 2264, 10 bases duplicated (CCCCCAAACA; older notation c.2255_2264dupCCCCCAAACA).
Protein change: p.Gln755fs; shifts the reading frame from glutamine 755.
Molecular consequence: frameshift variant.
Genome position (GRCh38, 1-based): chr11:64,747,272-64,747,281, TGTTTGGGGG duplicated on the plus strand (CCCCCAAACA on the coding strand, the reverse complement: PYGM is on the minus strand). VCF-style (leftmost placement, unchanged base first): chr11-64747271-C-CTGTTTGGGGG. GRCh37 (hg19) VCF-style: chr11-64514743-C-CTGTTTGGGGG.
Other names: c.1991_2000dup, p.Gln667fs (NM_001164716.1); short protein forms Q755fs, Q667fs.
Identifiers: ClinVar variation 950678 (VCV000950678.7), dbSNP rs2058320138, ClinGen allele CA1139662012.